The following is an entry in ClinVar:

ClinVar aggregate classification (germline): Pathogenic. Review status: criteria provided, multiple submitters, no conflicts (2 of 4 stars). 2 submissions from 2 submitters: Pathogenic (2). Last evaluated 2024-11-22.

Conditions:
Hereditary spastic paraplegia 39 (SPG39). Also called: Spastic Paraplegia Type 39 (SPG39); SPASTIC PARAPLEGIA 39, AUTOSOMAL RECESSIVE. Identifiers: Orphanet 139480, MedGen C2677586, MONDO:0012787, OMIM 612020.

Allele frequency attached by ClinVar (database versions not stated): gnomAD 0.00001; gnomAD exomes 0.00001; TOPMed 0.00001; ExAC 0.00002; ESP Exome Variant Server 0.00008.

Submissions (2):

Labcorp Genetics (formerly Invitae), Labcorp
Classification: Pathogenic for Hereditary spastic paraplegia 39. Last evaluated: 2024-11-22. Review status: criteria provided, single submitter. Criteria: Invitae Variant Classification Sherloc (09022015). Collection method: clinical testing. Allele origin: germline.
Comment: This sequence change creates a premature translational stop signal (p.Ser634Valfs*22) in the PNPLA6 gene. It is expected to result in an absent or disrupted protein product. Loss-of-function variants in PNPLA6 are known to be pathogenic (PMID: 24355708). This variant is present in population databases (rs765221332, gnomAD 0.003%). This variant has not been reported in the literature in individuals affected with PNPLA6-related conditions. ClinVar contains an entry for this variant (Variation ID: 817263). For these reasons, this variant has been classified as Pathogenic.

GeneDx
Classification: Pathogenic. Last evaluated: 2019-09-30. Review status: criteria provided, single submitter. Criteria: GeneDx Variant Classification (06012015). Collection method: clinical testing. Allele origin: germline. Affected: yes.
Comment: The c.1899delC variant in the PNPLA6 gene has not been reported previously as a pathogenic variant nor as a benign variant, to our knowledge. This variant causes a frameshift starting with codon Serine 634, changes this amino acid to a Valine residue, and creates a premature Stop codon at position 22 of the new reading frame, denoted p.Ser634ValfsX22. This variant is predicted to cause loss of normal protein function either through protein truncation or nonsense-mediated mRNA decay. The c.1899delC variant is not observed at a significant frequency in large population cohorts (Lek et al., 2016).

Literature cited by the submitters: PubMed 24355708 (cited by Labcorp Genetics (formerly Invitae), Labcorp).

NM_001166114.2(PNPLA6):c.2016del (p.Ser673fs)

Gene: PNPLA6 (patatin like domain 6, lysophospholipase; plus strand). Cytogenetic location: 19p13.2.
Variant type: Deletion.
Coding change: c.2016del on transcript NM_001166114.2 (MANE Select); coding-DNA position 2016, one base deleted (C; older notation c.2016delC).
Protein change: p.Ser673fs; shifts the reading frame from serine 673.
Molecular consequence: frameshift variant.
Genome position (GRCh38, 1-based): chr19:7,550,586, C deleted. VCF-style (leftmost placement, unchanged base first): chr19-7550585-GC-G. GRCh37 (hg19) VCF-style: chr19-7615471-GC-G.
Other names: c.2043del, p.Ser682fs (NM_001166111.2); c.1821del, p.Ser608fs (NM_001166112.2); c.1899del, p.Ser634fs (NM_001166113.1, NM_006702.5); short protein forms S673fs, S634fs, S682fs, S608fs.
Identifiers: ClinVar variation 817263 (VCV000817263.5), dbSNP rs765221332, ClinGen allele CA9139986.